The following is an entry in ClinVar:

ClinVar aggregate classification (germline): Uncertain significance (1 of 4 stars; one submission).

Submission:

Ambry Genetics
Classification: Uncertain significance. Last evaluated: 2025-02-21. Review status: criteria provided, single submitter. Criteria: Ambry Variant Classification Scheme 2023. Collection method: clinical testing. Allele origin: germline.
Comment: The p.C493W variant (also known as c.1479C>G), located in coding exon 12 of the RECQL gene, results from a C to G substitution at nucleotide position 1479. The cysteine at codon 493 is replaced by tryptophan, an amino acid with highly dissimilar properties. This amino acid position is conserved. In addition, this alteration is predicted to be tolerated by in silico analysis. Based on the available evidence, the clinical significance of this variant remains unclear.

NM_002907.4(RECQL):c.1479C>G (p.Cys493Trp)

Gene: RECQL (RecQ like helicase; minus strand). Cytogenetic location: 12p12.1.
Variant type: single nucleotide variant.
Coding change: c.1479C>G on transcript NM_002907.4 (MANE Select); coding-DNA position 1479, C replaced by G.
Protein change: p.Cys493Trp; replaces cysteine 493 with tryptophan.
Molecular consequence: missense variant.
Genome position (GRCh38, 1-based): chr12:21,471,616, G>C on the plus strand (C>G on the coding strand, the complement: RECQL is on the minus strand). VCF-style: chr12-21471616-G-C. GRCh37 (hg19) VCF-style: chr12-21624550-G-C.
Other names: c.1479C>G, p.Cys493Trp (NM_032941.3); short protein forms C493W.
Identifiers: ClinVar variation 3787924 (VCV003787924.1).